The following is an entry in ClinVar:

ClinVar aggregate classification (germline): Uncertain significance. Review status: criteria provided, multiple submitters, no conflicts (2 of 4 stars). 2 submissions from 2 submitters: Uncertain significance (2). Last evaluated 2025-11-05.

Allele frequency attached by ClinVar (database versions not stated): gnomAD exomes below 0.00001; ExAC 0.00001.
gnomAD v4.1: 5 of 1,613,816 alleles (0.00031%); highest among the groups gnomAD compares: Non-Finnish European, 0.00034%; no homozygotes.

Submissions (2):

Ambry Genetics
Classification: Uncertain significance. Last evaluated: 2025-11-05. Review status: criteria provided, single submitter. Criteria: Ambry Variant Classification Scheme 2023. Collection method: clinical testing. Allele origin: germline.

Labcorp Genetics (formerly Invitae), Labcorp
Classification: Uncertain significance. Last evaluated: 2022-02-08. Review status: criteria provided, single submitter. Criteria: Invitae Variant Classification Sherloc (09022015). Collection method: clinical testing. Allele origin: germline.
Comment: This variant has not been reported in the literature in individuals affected with TAOK2-related conditions. This sequence change replaces threonine, which is neutral and polar, with proline, which is neutral and non-polar, at codon 808 of the TAOK2 protein (p.Thr808Pro). This variant is not present in population databases (gnomAD no frequency). ClinVar contains an entry for this variant (Variation ID: 1047544). Algorithms developed to predict the effect of missense changes on protein structure and function (SIFT, PolyPhen-2, Align-GVGD) all suggest that this variant is likely to be tolerated. In summary, the available evidence is currently insufficient to determine the role of this variant in disease. Therefore, it has been classified as a Variant of Uncertain Significance.

NM_016151.4(TAOK2):c.2422A>C (p.Thr808Pro)

Gene: TAOK2 (TAO kinase 2; plus strand). Cytogenetic location: 16p11.2.
Variant type: single nucleotide variant.
Coding change: c.2422A>C on transcript NM_016151.4 (MANE Select); coding-DNA position 2422, A replaced by C.
Protein change: p.Thr808Pro; replaces threonine 808 with proline.
Molecular consequence: missense variant. On other transcripts: intron variant (2).
Genome position (GRCh38, 1-based): chr16:29,986,694, A>C. VCF-style: chr16-29986694-A-C. GRCh37 (hg19) VCF-style: chr16-29998015-A-C.
Other names: c.2232+190A>C (NM_004783.4); c.2233-150A>C (NM_001252043.2); c.2422A>C (NM_016151.2); short protein forms T808P.
Identifiers: ClinVar variation 1047544 (VCV001047544.9), dbSNP rs765912677, ClinGen allele CA7998385.